The following continues an entry in ClinVar:

NM_000487.6(ARSA):c.465+1G>A

Gene: ARSA. ClinVar aggregate classification (germline): Pathogenic. Pathogenic (40).

Submissions 26 to 49 of 56:

Myriad Genetics, Inc.
Classification: Pathogenic for Metachromatic leukodystrophy. Last evaluated: 2019-12-11. Review status: criteria provided, single submitter. Criteria: Myriad Women's Health Autosomal Recessive and X-Linked Classification Criteria (2019). Collection method: clinical testing. Allele origin: unknown.
Comment: NM_000487.5(ARSA):c.465+1G>A(aka IVS2+1G>A) is classified as pathogenic in the context of metachromatic leukodystrophy and is associated with the infantile form of this disease. Sources cited for classification include the following: PMID 1670590 and 8095918. Classification of NM_000487.5(ARSA):c.465+1G>A(aka IVS2+1G>A) is based on the following criteria: The variant is located at a canonical splice site, is expected to disrupt gene function and is reported in individuals with the relevant phenotype. Please note: this variant was assessed in the context of healthy population screening.â€šÃ„Ã¶âˆšÃ‘âˆšÂ£

GeneDx
Classification: Pathogenic. Last evaluated: 2019-11-17. Review status: criteria provided, single submitter. Criteria: GeneDx Variant Classification Process June 2021. Collection method: clinical testing. Allele origin: germline. Affected: yes.
Comment: Associated with no detectable arylsulfatase A activity (Gomez-Ospina et al. 2017); Canonical splice site variant in a gene for which loss-of-function is a known mechanism of disease; Previously reported as c.459+1G>A due to the use of alternate nomenclature; This variant is associated with the following publications: (PMID: 8095918, 25525159, 1670590, 18786133, 21167507, 7815434, 9600244, 11456299, 7825603, 9090526, 28923328, 20301309, 32632536, 31589614, 31418856, 31186049, 31980526, 33385934)

Mendelics
Classification: Pathogenic for Metachromatic leukodystrophy. Last evaluated: 2019-05-28. Review status: criteria provided, single submitter. Criteria: Mendelics Assertion Criteria 2017. Collection method: clinical testing. Allele origin: unknown.

Institute of Human Genetics, University of Leipzig Medical Center
Classification: Pathogenic for Metachromatic leukodystrophy. Last evaluated: 2019-01-01. Review status: criteria provided, single submitter. Criteria: ACMG Guidelines, 2015. Collection method: clinical testing. Allele origin: unknown. Affected: yes.

Illumina Laboratory Services, Illumina
Classification: Pathogenic for Metachromatic leukodystrophy. Last evaluated: 2018-12-18. Review status: criteria provided, single submitter. Criteria: ICSL Variant Classification Criteria 09 May 2019. Collection method: clinical testing. Allele origin: germline.
Comment: The ARSA c.465+1G>A variant, also referred to as c.459+1G>A, has been described as one of the most common pathogenic variants for arylsulfatase A deficiency occurring in the central and western European populations (Fluharty et al. 2006). Across a selection of the available literature, the c.465+1G>A variant has been identified in at least eight homozygotes, 16 compound heterozygotes, and 25 heterozygotes with an uncharacterized second allele, giving an allele frequency ranging from 7.5% to 37% in patients with arylsulfatase A deficiency (Polten et al. 1991; Eto et al. 1993; Draghia et al. 1997; Berger et al. 1997; Lugowska et al. 2005; Biffi et al. 2008; Shukla et al. 2011). Biochemical analyses indicate that the variant is associated with no residual arylsulfatase A activity (Polten et al. 1991). The c.465+1G>A variant is reported at a frequency of 0.00132 in the European (non-Finnish) population of the Exome Aggregation Consortium. Based on the collective evidence, the c.465+1G>A variant is classified as pathogenic for arylsufatase A deficiency. This variant was observed by ICSL as part of a predisposition screen in an ostensibly healthy population.

Fulgent Genetics
Classification: Pathogenic for Metachromatic leukodystrophy. Last evaluated: 2018-10-31. Review status: criteria provided, single submitter. Criteria: ACMG Guidelines, 2015. Collection method: clinical testing. Allele origin: unknown.

Centre for Mendelian Genomics, University Medical Centre Ljubljana
Classification: Pathogenic for Metachromatic leukodystrophy. Last evaluated: 2018-10-19. Review status: criteria provided, single submitter. Criteria: ACMG Guidelines, 2015. Collection method: clinical testing. Allele origin: unknown. Affected: yes.
Comment: This variant was classified as: Pathogenic. The following ACMG criteria were applied in classifying this variant: PVS1,PS1,PM2.

Knight Diagnostic Laboratories, Oregon Health and Sciences University
Classification: Pathogenic for Metachromatic leukodystrophy. Last evaluated: 2018-08-10. Review status: criteria provided, single submitter. Criteria: ACMG Guidelines, 2015. Collection method: clinical testing. Allele origin: germline. Observed: 1 variant allele.

Women's Health and Genetics/Laboratory Corporation of America, LabCorp
Classification: Pathogenic for Metachromatic leukodystrophy. Last evaluated: 2017-05-21. Review status: criteria provided, single submitter. Criteria: LabCorp Variant Classification Summary - May 2015. Collection method: clinical testing. Allele origin: germline.
Comment: Variant summary: The ARSA c.465+1G>A variant involves the alteration of a conserved intronic nucleotide and 5/5 splice prediction tools predict a significant impact on normal splicing, which has been functionally supported (Zlotogora_1994 and Polten_1991). This variant was found in 88/111568 control chromosomes at a frequency of 0.0007888, which does not exceed the estimated maximal expected allele frequency of a pathogenic ARSA variant (0.0027951). Multiple publications have cited the variant in homozygous and compound heterozygous affected individuals diagnosed with late-, juvenile- and adult-onset depending on the second mutation in trans. The variant of interest has been indicated to be a common founder mutation (Zlotogora_1994 and Polten_1991). In addition, multiple clinical diagnostic laboratories/reputable databases classified this variant as pathogenic. Taken together, this variant is classified as pathogenic.

Center for Pediatric Genomic Medicine, Children's Mercy Hospital and Clinics
Classification: Pathogenic. Last evaluated: 2017-04-24. Review status: criteria provided, single submitter. Criteria: ACMG Guidelines, 2015. Collection method: clinical testing. Allele origin: germline.

Eurofins Ntd Llc (ga)
Classification: Pathogenic. Last evaluated: 2015-08-06. Review status: criteria provided, single submitter. Criteria: EGL Classification Definitions 2015. Collection method: clinical testing. Allele origin: germline. Observed: 52 variant alleles, 45 heterozygotes, 8 homozygotes.

Baylor Genetics
Classification: Pathogenic for Metachromatic leukodystrophy. Review status: criteria provided, single submitter. Criteria: ACMG Guidelines, 2015. Collection method: clinical testing. Allele origin: germline.

Institute for Medical Genetics and Human Genetics, Charité - Universitätsmedizin Berlin
Classification: Pathogenic for Metachromatic leukodystrophy, adult type. Review status: criteria provided, single submitter. Criteria: ACMG Guidelines, 2015. Collection method: not provided. Allele origin: germline. Inheritance: Autosomal recessive inheritance. Affected: yes.

Institute of Human Genetics, University Hospital of Duesseldorf
Classification: Pathogenic for Metachromatic leukodystrophy. Review status: criteria provided, single submitter. Criteria: ACMG Guidelines, 2015. Collection method: not provided. Allele origin: germline. Inheritance: Autosomal recessive inheritance. Affected: yes.

Kasturba Medical College, Manipal, Kasturba Medical College, Manipal, Manipal Academy of Higher Education, Manipal, India
Classification: Pathogenic for Metachromatic leukodystrophy. Review status: criteria provided, single submitter. Criteria: ACMG Guidelines, 2015. Collection method: clinical testing. Allele origin: inherited. Inheritance: Autosomal recessive inheritance. Affected: yes. Observed: 1 compound heterozygote.

Hong-Tao Li Lab, Institute of Brain Science and Brain-inspired Research, Shandong First Medical University & Shandong Academy of Medical Sciences China
Classification: Pathogenic for Metachromatic leukodystrophy. Last evaluated: 2026-06-28. Review status: no assertion criteria provided. Collection method: research. Allele origin: germline. Inheritance: Autosomal recessive inheritance. Affected: yes. Observed: 1 variant allele, 1 homozygote. Not counted in ClinVar's aggregate classification.

OMIM
Classification: Pathogenic for METACHROMATIC LEUKODYSTROPHY, JUVENILE. Last evaluated: 2001-07-01. Review status: no assertion criteria provided. Collection method: literature only. Allele origin: germline. Not counted in ClinVar's aggregate classification.

OMIM
Classification: Pathogenic for METACHROMATIC LEUKODYSTROPHY, ADULT. Last evaluated: 2001-07-01. Review status: no assertion criteria provided. Collection method: literature only. Allele origin: germline. Not counted in ClinVar's aggregate classification.

Clinical Genetics DNA and cytogenetics Diagnostics Lab, Erasmus MC, Erasmus Medical Center
Classification: Pathogenic. Review status: no assertion criteria provided. Collection method: clinical testing. Allele origin: germline. Affected: yes. Study: VKGL Data-share Consensus. Not counted in ClinVar's aggregate classification.

Diagnostic Laboratory, Department of Genetics, University Medical Center Groningen
Classification: Pathogenic. Review status: no assertion criteria provided. Collection method: clinical testing. Allele origin: germline. Affected: yes. Study: VKGL Data-share Consensus. Not counted in ClinVar's aggregate classification.

Dr. Peter K. Rogan Lab, Western University
No classification provided (evidence only). Condition: Malignant tumor of urinary bladder. Review status: no classification provided. Collection method: in vitro. Allele origin: not applicable. Functional consequence: retained intron. Not counted in ClinVar's aggregate classification.

Dr. Peter K. Rogan Lab, Western University
No classification provided (evidence only). Condition: Papillary renal cell carcinoma type 1. Review status: no classification provided. Collection method: in vitro. Allele origin: not applicable. Functional consequence: retained intron. Not counted in ClinVar's aggregate classification.

Dr. Peter K. Rogan Lab, Western University
No classification provided (evidence only). Condition: Papillary renal cell carcinoma type 1. Review status: no classification provided. Collection method: in vitro. Allele origin: not applicable. Functional consequence: retained intron. Not counted in ClinVar's aggregate classification.

Dr. Peter K. Rogan Lab, Western University
No classification provided (evidence only). Condition: Papillary renal cell carcinoma type 1. Review status: no classification provided. Collection method: in vitro. Allele origin: not applicable. Functional consequence: retained intron. Not counted in ClinVar's aggregate classification.